The following is an entry in ClinVar:

NM_020987.5(ANK3):c.253G>T (p.Gly85Cys)

Gene: ANK3 (ankyrin 3; minus strand). Cytogenetic location: 10q21.2.
Variant type: single nucleotide variant.
Coding change: c.253G>T on transcript NM_020987.5 (MANE Select); coding-DNA position 253, G replaced by T.
Protein change: p.Gly85Cys; replaces glycine 85 with cysteine.
Molecular consequence: missense variant.
Genome position (GRCh38, 1-based): chr10:60,279,112, C>A on the plus strand (G>T on the coding strand, the complement: ANK3 is on the minus strand). VCF-style: chr10-60279112-C-A. GRCh37 (hg19) VCF-style: chr10-62038870-C-A.
Other names: c.235G>T, p.Gly79Cys (NM_001204403.2); c.202G>T, p.Gly68Cys (NM_001204404.2); c.253G>T, p.Gly85Cys (NM_001320874.2); short protein forms G68C, G79C, G85C.
Identifiers: ClinVar variation 5037281 (VCV005037281.1).
Genomic context (GRCh38, chr10:60,279,112, plus strand): 5'-TTGTAGCTGCATCCACATTGGCTTCTCTCTGCAGCAGCTCAGAAACAACCTCTACATGGC[C>A]TTCTTTGGAAGCAAGGTGGAGAGCGTTCAACCCATTCTGATTAAAAGTAAAGGAAAAGCT-3'
Protein context (NP_066267.2, residues 75-95): LNALHLASKE[Gly85Cys]HVEVVSELLQ

ClinVar aggregate classification (germline): Uncertain significance (1 of 4 stars; one submission).

Submission:

GeneDx
Classification: Uncertain significance. Last evaluated: 2026-04-21. Review status: criteria provided, single submitter. Criteria: GeneDx Variant Classification Process June 2021. Collection method: clinical testing. Allele origin: germline.
Comment: Not observed at significant frequency in large population cohorts (gnomAD); In silico analysis supports that this missense variant has a deleterious effect on protein structure/function; Has not been previously published as pathogenic or benign to our knowledge